The following is an entry in ClinVar:

ClinVar aggregate classification (germline): Likely pathogenic (1 of 4 stars; one submission).

Conditions:
Abetalipoproteinaemia (ABL). Also called: Abetalipoproteinemia; Abetalipoproteinemia neuropathy; Apolipoprotein B deficiency; Congenital betalipoprotein deficiency syndrome; MTP DEFICIENCY. Identifiers: Orphanet 14, MedGen C0000744, MONDO:0008692, OMIM 200100, HP:0008181.

Allele frequency attached by ClinVar (database versions not stated): TOPMed below 0.00001; gnomAD 0.00001.
gnomAD v4.1: 1 of 1,613,952 alleles (0.000062%); highest among the groups gnomAD compares: Non-Finnish European, 0.000085%; no homozygotes.

Submission:

Myriad Genetics, Inc.
Classification: Likely pathogenic for Abetalipoproteinaemia. Last evaluated: 2022-02-19. Review status: criteria provided, single submitter. Criteria: Myriad Women's Health Autosomal Recessive and X-Linked Classification Criteria (2021). Collection method: clinical testing. Allele origin: unknown.
Comment: NM_000253.2(MTTP):c.1933A>T(R645*) is expected to be pathogenic in the context of abetalipoproteinemia. This variant is predicted to lead to an abnormal or absent protein product due to the creation of a premature termination codon in MTTP, a gene where loss-of-function variants are known to be pathogenic. Please note: this variant was assessed in the context of healthy population screening.

NM_001386140.1(MTTP):c.1933A>T (p.Arg645Ter)

Gene: MTTP (microsomal triglyceride transfer protein; plus strand). Cytogenetic location: 4q23.
Variant type: single nucleotide variant.
Coding change: c.1933A>T on transcript NM_001386140.1 (MANE Select); coding-DNA position 1933, A replaced by T.
Protein change: p.Arg645Ter; replaces arginine 645 with a stop codon.
Molecular consequence: nonsense.
Genome position (GRCh38, 1-based): chr4:99,611,397, A>T. VCF-style: chr4-99611397-A-T. GRCh37 (hg19) VCF-style: chr4-100532554-A-T.
Other names: c.1933A>T, p.Arg645Ter (NM_000253.4); c.1684A>T, p.Arg562Ter (NM_001300785.2); short protein forms R562*, R645*.
Identifiers: ClinVar variation 1724542 (VCV001724542.2), dbSNP rs1472530614, ClinGen allele CA357515977.
Genomic context (GRCh38, chr4:99,611,397, plus strand): 5'-CCCCGTTCGGCATCTACTTACAGCCTAGACATTCTCTACTCGGGTTCTGGCATTCTAAGG[A>T]GAAGTAACCTGAACATCTTTCAGTACATTGGGAAGGCTGGTCTTCACGGTAGCCAGGTAA-3'